The following is an entry in ClinVar:

ClinVar aggregate classification (germline): Likely benign (1 of 4 stars; one submission).

Allele frequency attached by ClinVar (database versions not stated): gnomAD exomes below 0.00001; TOPMed below 0.00001; ExAC 0.00001; gnomAD 0.00001.
gnomAD v4.1: 3 of 1,614,000 alleles (0.00019%); highest among the groups gnomAD compares: Non-Finnish European, 0.00025%; no homozygotes.

Submission:

CeGaT Center for Human Genetics Tuebingen
Classification: Likely benign. Last evaluated: 2022-03-01. Review status: criteria provided, single submitter. Criteria: CeGaT Center For Human Genetics Tuebingen Variant Classification Criteria Version 2. Collection method: clinical testing. Allele origin: germline. Affected: yes. Observed: 1 variant allele.
Comment: CTSA: BP4, BP7

NM_000308.4(CTSA):c.318T>C (p.Asp106=)

Gene: CTSA (cathepsin A; plus strand). Cytogenetic location: 20q13.12.
Variant type: single nucleotide variant.
Coding change: c.318T>C on transcript NM_000308.4 (MANE Select); coding-DNA position 318, T replaced by C.
Protein change: p.Asp106=; no amino-acid change (aspartic acid 106 retained).
Molecular consequence: synonymous variant. On other transcripts: non-coding transcript variant (1), intron variant (1).
Genome position (GRCh38, 1-based): chr20:45,892,284, T>C. VCF-style: chr20-45892284-T-C. GRCh37 (hg19) VCF-style: chr20-44520923-T-C.
Other names: c.318T>C, p.Asp106= (NM_001127695.3); c.307-114T>C (NM_001167594.3).
Identifiers: ClinVar variation 2652352 (VCV002652352.24), dbSNP rs753072437, ClinGen allele CA9882997.